The following is an entry in ClinVar:

NM_198578.4(LRRK2):c.7186_7187dup (p.Val2396_Met2397insTer)

Gene: LRRK2 (leucine rich repeat kinase 2; plus strand). Cytogenetic location: 12q12.
Variant type: Duplication.
Coding change: c.7186_7187dup on transcript NM_198578.4 (MANE Select); coding-DNA positions 7186 to 7187, 2 bases duplicated (GT; older notation c.7186_7187dupGT).
Protein change: p.Val2396_Met2397insTer.
Molecular consequence: frameshift variant.
Genome position (GRCh38, 1-based): chr12:40,364,846-40,364,847, GT duplicated. VCF-style (leftmost placement, unchanged base first): chr12-40364845-G-GGT. GRCh37 (hg19) VCF-style: chr12-40758647-G-GGT.
Identifiers: ClinVar variation 39237 (VCV000039237.7), dbSNP rs281865056, ClinGen allele CA343685.

ClinVar aggregate classification (germline): Uncertain significance. Review status: criteria provided, multiple submitters, no conflicts (2 of 4 stars). 3 submissions from 3 submitters: Uncertain significance (2). 1 of the submissions does not count toward it. Last evaluated 2023-07-21.

Conditions:
Autosomal dominant Parkinson disease 8. Also called: LRRK2-Related Parkinson Disease; Parkinson disease 8; Parkinson disease 8, susceptibility to. Identifiers: Orphanet 411602, MedGen C1846862, MONDO:0011764, OMIM 607060.

Allele frequency attached by ClinVar (database versions not stated): TOPMed below 0.00001; ExAC 0.00001; gnomAD 0.00002; gnomAD exomes 0.00002 and 0.00004.

Submissions (3):

Labcorp Genetics (formerly Invitae), Labcorp
Classification: Uncertain significance for Autosomal dominant Parkinson disease 8. Last evaluated: 2023-07-21. Review status: criteria provided, single submitter. Criteria: Invitae Variant Classification Sherloc (09022015). Collection method: clinical testing. Allele origin: germline.
Comment: This variant has not been reported in the literature in individuals affected with LRRK2-related conditions. This sequence change creates a premature translational stop signal (p.Met2397*) in the LRRK2 gene. It is expected to result in an absent or disrupted protein product. However, the current clinical and genetic evidence is not sufficient to establish whether loss-of-function variants in LRRK2 cause disease. This variant is present in population databases (rs755072260, gnomAD 0.005%). ClinVar contains an entry for this variant (Variation ID: 39237). In summary, the available evidence is currently insufficient to determine the role of this variant in disease. Therefore, it has been classified as a Variant of Uncertain Significance.

Fulgent Genetics
Classification: Uncertain significance for Autosomal dominant Parkinson disease 8. Last evaluated: 2021-11-23. Review status: criteria provided, single submitter. Criteria: ACMG Guidelines, 2015. Collection method: clinical testing. Allele origin: unknown.

GeneReviews
No classification provided. Condition: Autosomal dominant Parkinson disease 8. Review status: no classification provided. Collection method: literature only. Allele origin: unknown. Not counted in ClinVar's aggregate classification.

Literature cited by the submitters: PubMed 20301387 (cited by GeneReviews); NCBI Bookshelf NBK1208 (cited by GeneReviews).